The following is an entry in ClinVar:

NM_001165963.4(SCN1A):c.5104G>T (p.Asp1702Tyr)

Genes: SCN1A (sodium voltage-gated channel alpha subunit 1; minus strand), LOC102724058 (uncharacterized LOC102724058; plus strand). Cytogenetic location: 2q24.3.
Variant type: single nucleotide variant.
Coding change: c.5104G>T on transcript NM_001165963.4 (MANE Select); coding-DNA position 5104, G replaced by T.
Protein change: p.Asp1702Tyr; replaces aspartic acid 1702 with tyrosine.
Molecular consequence: missense variant. On other transcripts: non-coding transcript variant (1).
Genome position (GRCh38, 1-based): chr2:165,992,171, C>A on the plus strand (G>T on the coding strand, the complement: SCN1A is on the minus strand). VCF-style: chr2-165992171-C-A. GRCh37 (hg19) VCF-style: chr2-166848681-C-A.
Other names: p.D1702Y:GAT>TAT; c.5020G>T, p.Asp1674Tyr (NM_001165964.3, NM_001353957.2, NM_001353958.2); c.5104G>T, p.Asp1702Tyr (NM_001202435.3, NM_001353948.2); c.5071G>T, p.Asp1691Tyr (NM_001353949.2, NM_001353950.2, NM_001353951.2 and 2 more transcripts); c.5068G>T, p.Asp1690Tyr (NM_001353954.2, NM_001353955.2); c.5017G>T, p.Asp1673Tyr (NM_001353960.2); c.2662G>T, p.Asp888Tyr (NM_001353961.2); short protein forms D1691Y, D1702Y, D1690Y, D1673Y, D1674Y, D888Y.
Identifiers: ClinVar variation 206857 (VCV000206857.2), dbSNP rs748333147, ClinGen allele CA317573.

ClinVar aggregate classification (germline): Likely pathogenic (1 of 4 stars; one submission).

Submission:

GeneDx
Classification: Likely pathogenic. Last evaluated: 2018-04-19. Review status: criteria provided, single submitter. Criteria: GeneDx Variant Classification (06012015). Collection method: clinical testing. Allele origin: germline. Affected: yes.
Comment: p.Asp1702Tyr (GAT>TAT): c.5104 G>T in exon 26 of the SCN1A gene (NM_001165963.1) The Asp1702Tyr missense change has not been published as a mutation, nor has it been reported as a benign polymorphism to our knowledge. It was not observed in approximately 6,500 individuals of European and African American ancestry in the NHLBI Exome Sequencing Project, indicating it is not a common benign variant in these populations. Asp1702Tyr is a non-conservative amino acid substitution as a negatively charged Aspartic acid residue is replaced with an uncharged Tyrosine residue, and it alters a highly conserved position in the pore loop between the S5 and S6 segments of the fourth transmembrane domain. Multiple in silico algorithms predict that Asp1720Tyr is possibly damaging to the structure/function of the SCN1A protein.Therefore, based on the currently available information, Asp1720Tyr is a strong candidate for a disease-causing mutation, although the possibility that it is a benign variant cannot be excluded. The variant is found in INFANT-EPI panel(s).